The following is an entry in ClinVar:

NM_019109.5(ALG1):c.961+4C>G

Gene: ALG1 (ALG1 chitobiosyldiphosphodolichol beta-mannosyltransferase; plus strand). Cytogenetic location: 16p13.3.
Variant type: single nucleotide variant.
Coding change: c.961+4C>G on transcript NM_019109.5 (MANE Select); 4 bases into the intron after coding-DNA position 961, C replaced by G.
Molecular consequence: intron variant.
Genome position (GRCh38, 1-based): chr16:5,079,811, C>G. VCF-style: chr16-5079811-C-G. GRCh37 (hg19) VCF-style: chr16-5129812-C-G.
Other names: c.628+4C>G (NM_001330504.2).
Identifiers: ClinVar variation 1512684 (VCV001512684.6), dbSNP rs2142718757, ClinGen allele CA2573152080.

ClinVar aggregate classification (germline): Uncertain significance (1 of 4 stars; one submission).

Conditions:
ALG1-congenital disorder of glycosylation. Also called: CDG Ik; CONGENITAL DISORDER OF GLYCOSYLATION, TYPE Ik; ALG1-CDG. Identifiers: Orphanet 79327, MedGen C2931005, MONDO:0012052, OMIM 608540.

Submission:

Labcorp Genetics (formerly Invitae), Labcorp
Classification: Uncertain significance for ALG1-congenital disorder of glycosylation. Last evaluated: 2021-02-22. Review status: criteria provided, single submitter. Criteria: Invitae Variant Classification Sherloc (09022015). Collection method: clinical testing. Allele origin: germline.
Comment: This sequence change falls in intron 9 of the ALG1 gene. It does not directly change the encoded amino acid sequence of the ALG1 protein. It affects a nucleotide within the consensus splice site of the intron. This variant is not present in population databases (ExAC no frequency). This variant has not been reported in the literature in individuals with ALG1-related conditions. Nucleotide substitutions within the consensus splice site are a relatively common cause of aberrant splicing (PMID: 17576681, 9536098). Algorithms developed to predict the effect of sequence changes on RNA splicing suggest that this variant may disrupt the consensus splice site, but this prediction has not been confirmed by published transcriptional studies. In summary, the available evidence is currently insufficient to determine the role of this variant in disease. Therefore, it has been classified as a Variant of Uncertain Significance.

Literature cited by the submitters: PubMed 17576681; PubMed 9536098.